The following is an entry in ClinVar:

NM_001003722.2(GLE1):c.853C>T (p.Gln285Ter)

Gene: GLE1 (GLE1 RNA export mediator; plus strand). Cytogenetic location: 9q34.11.
Variant type: single nucleotide variant.
Coding change: c.853C>T on transcript NM_001003722.2 (MANE Select); coding-DNA position 853, C replaced by T.
Protein change: p.Gln285Ter; replaces glutamine 285 with a stop codon.
Molecular consequence: nonsense.
Genome position (GRCh38, 1-based): chr9:128,523,802, C>T. VCF-style: chr9-128523802-C-T. GRCh37 (hg19) VCF-style: chr9-131286081-C-T.
Other names: c.853C>T, p.Gln285Ter (NM_001411013.1, NM_001499.2); short protein forms Q285*.
Identifiers: ClinVar variation 2073222 (VCV002073222.4), dbSNP rs2540597433, ClinGen allele CA375040031.
Genomic context (GRCh38, chr9:128,523,802, plus strand): 5'-TCTGAGCAGCACAAAGCCCTGCTTAAGGTCGACCTGGCTGCCTTCCAGACCCGAGGCAAC[C>T]AGCTGTGCAGCCTCATCTCAGGGATCATCCGGGCCTCTTCAGAGGTGAGGGGGGCTTCAG-3'

ClinVar aggregate classification (germline): Pathogenic (1 of 4 stars; one submission).

Submission:

Labcorp Genetics (formerly Invitae), Labcorp
Classification: Pathogenic. Last evaluated: 2024-01-31. Review status: criteria provided, single submitter. Criteria: Invitae Variant Classification Sherloc (09022015). Collection method: clinical testing. Allele origin: germline.
Comment: This sequence change creates a premature translational stop signal (p.Gln285*) in the GLE1 gene. It is expected to result in an absent or disrupted protein product. Loss-of-function variants in GLE1 are known to be pathogenic (PMID: 18204449, 24243016, 27684565). This variant is not present in population databases (gnomAD no frequency). This variant has not been reported in the literature in individuals affected with GLE1-related conditions. ClinVar contains an entry for this variant (Variation ID: 2073222). For these reasons, this variant has been classified as Pathogenic.

Literature cited by the submitters: PubMed 18204449; PubMed 24243016; PubMed 27684565.